The following is an entry in ClinVar:

ClinVar aggregate classification (germline): Uncertain significance (1 of 4 stars; one submission).

gnomAD v4.1: 11 of 1,539,516 alleles (0.00071%); highest among the groups gnomAD compares: Non-Finnish European, 0.00097%; no homozygotes.

Submission:

Labcorp Genetics (formerly Invitae), Labcorp
Classification: Uncertain significance. Last evaluated: 2023-11-28. Review status: criteria provided, single submitter. Criteria: Invitae Variant Classification Sherloc (09022015). Collection method: clinical testing. Allele origin: germline.
Comment: This sequence change replaces arginine, which is basic and polar, with serine, which is neutral and polar, at codon 2887 of the UNC80 protein (p.Arg2887Ser). This variant is present in population databases (no rsID available, gnomAD 0.002%). This variant has not been reported in the literature in individuals affected with UNC80-related conditions. ClinVar contains an entry for this variant (Variation ID: 2184807). Advanced modeling of protein sequence and biophysical properties (such as structural, functional, and spatial information, amino acid conservation, physicochemical variation, residue mobility, and thermodynamic stability) performed at Invitae indicates that this missense variant is not expected to disrupt UNC80 protein function with a negative predictive value of 80%. In summary, the available evidence is currently insufficient to determine the role of this variant in disease. Therefore, it has been classified as a Variant of Uncertain Significance.

NM_001371986.1(UNC80):c.8857C>A (p.Arg2953Ser)

Gene: UNC80 (unc-80 subunit of NALCN channel complex; plus strand). Cytogenetic location: 2q34.
Variant type: single nucleotide variant.
Coding change: c.8857C>A on transcript NM_001371986.1 (MANE Select); coding-DNA position 8857, C replaced by A.
Protein change: p.Arg2953Ser; replaces arginine 2953 with serine.
Molecular consequence: missense variant.
Genome position (GRCh38, 1-based): chr2:209,976,997, C>A. VCF-style: chr2-209976997-C-A. GRCh37 (hg19) VCF-style: chr2-210841721-C-A.
Other names: c.8659C>A, p.Arg2887Ser (NM_032504.2); c.8644C>A, p.Arg2882Ser (NM_182587.4); short protein forms R2882S, R2953S, R2887S.
Identifiers: ClinVar variation 2184807 (VCV002184807.4), dbSNP rs1282271120, ClinGen allele CA350414179.
Genomic context (GRCh38, chr2:209,976,997, plus strand): 5'-CATGAAGAGCTTTCCGCCCGGCAACATATTGCCGACCAGCTGGAGCGGCGCTTCATACCA[C>A]GCCCTTTGTGTAAGAGCTCGCTCATTGCTGAGTTCAACAGTGAACTAAAAATTCTAAAAG-3'
Protein context (NP_001358915.1, residues 2943-2963): ADQLERRFIP[Arg2953Ser]PLCKSSLIAE